The following is an entry in ClinVar:

NM_007294.4(BRCA1):c.5052T>C (p.Thr1684=)

Gene: BRCA1 (BRCA1 DNA repair associated; minus strand). Cytogenetic location: 17q21.31.
Variant type: single nucleotide variant.
Coding change: c.5052T>C on transcript NM_007294.4 (MANE Select); coding-DNA position 5052, T replaced by C.
Protein change: p.Thr1684=; no amino-acid change (threonine 1684 retained).
Molecular consequence: synonymous variant. On other transcripts: intron variant (1).
Genome position (GRCh38, 1-based): chr17:43,067,630, A>G on the plus strand (T>C on the coding strand, the complement: BRCA1 is on the minus strand). VCF-style: chr17-43067630-A-G. GRCh37 (hg19) VCF-style: chr17-41219647-A-G.
Other names: c.5046T>C, p.Thr1682= (NM_001407629.1, NM_001407630.1, NM_001407631.1 and 14 more transcripts); c.5043T>C, p.Thr1681= (NM_001407644.1, NM_001407645.1); c.5040T>C, p.Thr1680= (NM_001407646.1); c.5037T>C, p.Thr1679= (NM_001407647.1); c.4995T>C, p.Thr1665= (NM_001407648.1); c.4992T>C, p.Thr1664= (NM_001407649.1); c.5052T>C, p.Thr1684= (NM_001407652.1, NM_001407684.1, NM_001407854.1 and 8 more transcripts); c.4974T>C, p.Thr1658= (NM_001407653.1, NM_001407654.1, NM_001407655.1); and 71 more.
Identifiers: ClinVar variation 380856 (VCV000380856.27), dbSNP rs760922019, ClinGen allele CA053747.

ClinVar aggregate classification (germline): Likely benign. Review status: reviewed by expert panel (3 of 4 stars). 8 submissions from 8 submitters: Likely benign (1). 7 of the submissions do not count toward it. Last evaluated 2017-06-29.

Conditions:
Breast-ovarian cancer, familial, susceptibility to, 1 (BROVCA1). Also called: BRCA1 Hereditary Breast and Ovarian Cancer; OVARIAN CANCER, SUSCEPTIBILITY TO. Identifiers: Orphanet 145, MedGen C2676676, MONDO:0011450, OMIM 604370. Disease mechanism: loss of function.
Hereditary cancer-predisposing syndrome. Also called: Neoplastic Syndromes, Hereditary; Hereditary neoplastic syndrome; Hereditary Cancer Syndrome; Tumor predisposition. Identifiers: Orphanet 140162, MedGen C0027672, MeSH D009386, MONDO:0015356.
Hereditary breast ovarian cancer syndrome. Also called: Hereditary breast and ovarian cancer syndrome; Breast and ovarian cancer; Hereditary breast and ovarian cancer syndrome (HBOC); Hereditary breast and/or ovarian cancer syndrome; BRCA1- and BRCA2-Associated Hereditary Breast and Ovarian Cancer; Hereditary breast and ovarian cancer. Identifiers: Orphanet 145, MedGen C0677776, MeSH D061325, MONDO:0003582. Disease mechanism: loss of function.

Allele frequency attached by ClinVar (database versions not stated): ExAC 0.00001.

Submissions (9):

Evidence-based Network for the Interpretation of Germline Mutant Alleles (ENIGMA)
Classification: Likely benign for Breast-ovarian cancer, familial, susceptibility to, 1. Last evaluated: 2017-06-29. Review status: reviewed by expert panel. Criteria: ENIGMA BRCA1/2 Classification Criteria (2017-06-29). Collection method: curation. Allele origin: germline.
Comment: Synonymous substitution variant, with low bioinformatic likelihood to result in a splicing aberration (Splicing prior probability 0.02).

Labcorp Genetics (formerly Invitae), Labcorp
Classification: Likely benign for Hereditary breast ovarian cancer syndrome. Last evaluated: 2025-11-13. Review status: criteria provided, single submitter. Criteria: Invitae Variant Classification Sherloc (09022015). Collection method: clinical testing. Allele origin: germline. Not counted in ClinVar's aggregate classification.

Women's Health and Genetics/Laboratory Corporation of America, LabCorp
Classification: Likely benign. Last evaluated: 2024-12-06. Review status: criteria provided, single submitter. Criteria: LabCorp Variant Classification Summary - May 2015. Collection method: clinical testing. Allele origin: germline. Not counted in ClinVar's aggregate classification.

Quest Diagnostics Nichols Institute San Juan Capistrano
Classification: Likely benign. Last evaluated: 2023-08-03. Review status: criteria provided, single submitter. Criteria: Quest Diagnostics criteria. Collection method: clinical testing. Allele origin: unknown. Not counted in ClinVar's aggregate classification.

All of Us Research Program, National Institutes of Health
Classification: Likely benign for Breast-ovarian cancer, familial, susceptibility to, 1. Last evaluated: 2023-06-26. Review status: criteria provided, single submitter. Criteria: ACMG Guidelines, 2015. Collection method: clinical testing. Allele origin: germline. Inheritance: Autosomal dominant inheritance. Observed: 1 variant allele, 1 heterozygote. Not counted in ClinVar's aggregate classification.
Comment: This study involves interpretation of variants in research participants for the purpose of population health screening. Participant phenotype was not available at the time of variant classification. Additional details can be found in publication PMID: 35346344, PMCID: PMC8962531

Ambry Genetics
Classification: Likely benign for Hereditary cancer-predisposing syndrome. Last evaluated: 2019-10-21. Review status: criteria provided, single submitter. Criteria: Ambry Variant Classification Scheme 2023. Collection method: clinical testing. Allele origin: germline. Not counted in ClinVar's aggregate classification.

Color Diagnostics, LLC DBA Color Health
Classification: Likely benign for Hereditary cancer-predisposing syndrome. Last evaluated: 2018-07-03. Review status: criteria provided, single submitter. Criteria: ACMG Guidelines, 2015. Collection method: clinical testing. Allele origin: germline. Not counted in ClinVar's aggregate classification.

GeneDx
Classification: Likely benign. Last evaluated: 2015-09-30. Review status: criteria provided, single submitter. Criteria: GeneDx Variant Classification (06012015). Collection method: clinical testing. Allele origin: germline. Affected: yes. Not counted in ClinVar's aggregate classification.
Comment: This variant is considered likely benign or benign based on one or more of the following criteria: it is a conservative change, it occurs at a poorly conserved position in the protein, it is predicted to be benign by multiple in silico algorithms, and/or has population frequency not consistent with disease.

Brotman Baty Institute, University of Washington
No classification provided (evidence only). Condition: Breast-ovarian cancer, familial 1. Review status: no classification provided. Collection method: in vitro. Allele origin: not applicable. Functional consequence: functionally_normal. Not counted in ClinVar's aggregate classification.
ClinVar note: "not provided" was previously submitted as the classification for the variant. However, the classification appeared to be based only on an observation of functional data so it was converted to no classification on 2025-07-30.